The following is an entry in ClinVar:

ClinVar aggregate classification (germline): Uncertain significance. Review status: criteria provided, multiple submitters, no conflicts (2 of 4 stars). 4 submissions from 4 submitters: Uncertain significance (4). Last evaluated 2026-04-23.

Conditions:
Cardiovascular phenotype. Identifiers: MedGen CN230736.
Osteogenesis imperfecta type I (OI1). Also called: OI, TYPE I; OSTEOGENESIS IMPERFECTA TARDA; Lobstein's Disease; OSTEOGENESIS IMPERFECTA WITH BLUE SCLERAE; Lobstein disease; Osteogenesis imperfecta type 1. Identifiers: Orphanet 216796, Orphanet 666, MedGen C0023931, MONDO:0008146, OMIM 166200. Disease mechanism: loss of function.

Allele frequency attached by ClinVar (database versions not stated): gnomAD exomes 0.00002; TOPMed 0.00002.
gnomAD v4.1: 31 of 1,614,048 alleles (0.0019%); highest among the groups gnomAD compares: Non-Finnish European, 0.0025%; no homozygotes.

Submissions (4):

Ambry Genetics
Classification: Uncertain significance for Cardiovascular phenotype. Last evaluated: 2026-04-23. Review status: criteria provided, single submitter. Criteria: Ambry Variant Classification Scheme 2023. Collection method: clinical testing. Allele origin: germline.
Comment: The p.R1217W variant (also known as c.3649C>T), located in coding exon 48 of the COL1A1 gene, results from a C to T substitution at nucleotide position 3649. The arginine at codon 1217 is replaced by tryptophan, an amino acid with dissimilar properties. This amino acid position is highly conserved in available vertebrate species. In addition, this alteration is predicted to be deleterious by in silico analysis. Based on the available evidence, the clinical significance of this variant remains unclear.

Labcorp Genetics (formerly Invitae), Labcorp
Classification: Uncertain significance for Osteogenesis imperfecta type I. Last evaluated: 2026-01-26. Review status: criteria provided, single submitter. Criteria: Invitae Variant Classification Sherloc (09022015). Collection method: clinical testing. Allele origin: germline.
Comment: This sequence change replaces arginine, which is basic and polar, with tryptophan, which is neutral and slightly polar, at codon 1217 of the COL1A1 protein (p.Arg1217Trp). This variant is present in population databases (rs763727068, gnomAD 0.007%). This variant has not been reported in the literature in individuals affected with COL1A1-related conditions. ClinVar contains an entry for this variant (Variation ID: 967962). Invitae Evidence Modeling of protein sequence and biophysical properties (such as structural, functional, and spatial information, amino acid conservation, physicochemical variation, residue mobility, and thermodynamic stability) has been performed for this missense variant. However, the output from this modeling did not meet the statistical confidence thresholds required to predict the impact of this variant on COL1A1 protein function. In summary, the available evidence is currently insufficient to determine the role of this variant in disease. Therefore, it has been classified as a Variant of Uncertain Significance.

GeneDx
Classification: Uncertain significance. Last evaluated: 2025-06-27. Review status: criteria provided, single submitter. Criteria: GeneDx Variant Classification Process June 2021. Collection method: clinical testing. Allele origin: germline. Affected: yes.
Comment: Not observed at significant frequency in large population cohorts (gnomAD); In silico analysis supports that this missense variant has a deleterious effect on protein structure/function; Not located in the triple helical region, where the majority of pathogenic missense variants occur (HGMD); Has not been previously published as pathogenic or benign to our knowledge

Mayo Clinic Laboratories, Mayo Clinic
Classification: Uncertain significance. Last evaluated: 2025-01-17. Review status: criteria provided, single submitter. Criteria: ACMG Guidelines, 2015. Collection method: clinical testing. Allele origin: germline. Observed: 1 variant allele.
Comment: PP2, PP3

Literature cited by the submitters: PubMed 16786509 (cited by Mayo Clinic Laboratories, Mayo Clinic); PubMed 21344539 (cited by Mayo Clinic Laboratories, Mayo Clinic); PubMed 29669177 (cited by Mayo Clinic Laboratories, Mayo Clinic); PubMed 31055083 (cited by Mayo Clinic Laboratories, Mayo Clinic).

NM_000088.4(COL1A1):c.3649C>T (p.Arg1217Trp)

Gene: COL1A1 (collagen type I alpha 1 chain; minus strand). Cytogenetic location: 17q21.33.
Variant type: single nucleotide variant.
Coding change: c.3649C>T on transcript NM_000088.4 (MANE Select); coding-DNA position 3649, C replaced by T.
Protein change: p.Arg1217Trp; replaces arginine 1217 with tryptophan.
Molecular consequence: missense variant.
Genome position (GRCh38, 1-based): chr17:50,186,805, G>A on the plus strand (C>T on the coding strand, the complement: COL1A1 is on the minus strand). VCF-style: chr17-50186805-G-A. GRCh37 (hg19) VCF-style: chr17-48264166-G-A.
Other names: p.Arg1217Trp; short protein forms R1217W.
Identifiers: ClinVar variation 967962 (VCV000967962.11), dbSNP rs763727068, ClinGen allele CA291542882.